The following is an entry in ClinVar:

ClinVar aggregate classification (germline): Uncertain significance. Review status: criteria provided, multiple submitters, no conflicts (2 of 4 stars). 2 submissions from 2 submitters: Uncertain significance (2). Last evaluated 2026-07-02.

Conditions:
RPGRIP1-related disorder. Also called: RPGRIP1-related condition.
Cone-rod dystrophy 13 (CORD13). Identifiers: Orphanet 1872, MedGen C2750720, MONDO:0011987, OMIM 608194.
Leber congenital amaurosis 6 (LCA6). Identifiers: Orphanet 65, MedGen C1854260, MONDO:0013446, OMIM 613826.

Allele frequency attached by ClinVar (database versions not stated): gnomAD exomes 0.00001 and 0.00003; gnomAD 0.00002 and 0.00003; ExAC 0.00005; TOPMed 0.00005.
gnomAD v4.1: 25 of 1,608,618 alleles (0.0016%); highest among the groups gnomAD compares: East Asian, 0.022%; no homozygotes.

Submissions (2):

PreventionGenetics, part of Exact Sciences
Classification: Uncertain significance for RPGRIP1-related condition. Last evaluated: 2026-07-02. Review status: criteria provided, single submitter. Criteria: ACMG Guidelines, 2015. Collection method: clinical testing. Allele origin: germline.
Comment: The RPGRIP1 c.2303G>A variant is predicted to result in the amino acid substitution p.Arg768Gln. To our knowledge, this variant has not been reported in the literature. This variant is reported in 0.041% of alleles in individuals of East Asian descent in gnomAD. At this time, the clinical significance of this variant is uncertain due to the absence of conclusive functional and genetic evidence.

Labcorp Genetics (formerly Invitae), Labcorp
Classification: Uncertain significance for Leber congenital amaurosis 6; Cone-rod dystrophy 13. Last evaluated: 2022-06-13. Review status: criteria provided, single submitter. Criteria: Invitae Variant Classification Sherloc (09022015). Collection method: clinical testing. Allele origin: germline.
Comment: This sequence change replaces arginine, which is basic and polar, with glutamine, which is neutral and polar, at codon 768 of the RPGRIP1 protein (p.Arg768Gln). This variant is present in population databases (rs770870865, gnomAD 0.04%). This variant has not been reported in the literature in individuals affected with RPGRIP1-related conditions. ClinVar contains an entry for this variant (Variation ID: 959153). Algorithms developed to predict the effect of missense changes on protein structure and function output the following: SIFT: "Tolerated"; PolyPhen-2: "Benign"; Align-GVGD: "Class C0". The glutamine amino acid residue is found in multiple mammalian species, which suggests that this missense change does not adversely affect protein function. In summary, the available evidence is currently insufficient to determine the role of this variant in disease. Therefore, it has been classified as a Variant of Uncertain Significance.

NM_020366.4(RPGRIP1):c.2303G>A (p.Arg768Gln)

Gene: RPGRIP1 (RPGR interacting protein 1; plus strand). Cytogenetic location: 14q11.2.
Variant type: single nucleotide variant.
Coding change: c.2303G>A on transcript NM_020366.4 (MANE Select); coding-DNA position 2303, G replaced by A.
Protein change: p.Arg768Gln; replaces arginine 768 with glutamine.
Molecular consequence: missense variant. On other transcripts: intron variant (4).
Genome position (GRCh38, 1-based): chr14:21,325,319, G>A. VCF-style: chr14-21325319-G-A. GRCh37 (hg19) VCF-style: chr14-21793478-G-A.
Other names: c.1229G>A, p.Arg410Gln (NM_001377948.1); c.796+594G>A (NM_001377949.1); c.689-2304G>A (NM_001377523.1, NM_001377950.1); c.191-2304G>A (NM_001377951.1); short protein forms R410Q, R768Q.
Identifiers: ClinVar variation 959153 (VCV000959153.6), dbSNP rs770870865, ClinGen allele CA7089213.